The following is an entry in ClinVar:

ClinVar aggregate classification (germline): Pathogenic (1 of 4 stars; one submission).

Conditions:
Osteogenesis imperfecta type I (OI1). Also called: OI, TYPE I; OSTEOGENESIS IMPERFECTA TARDA; OSTEOGENESIS IMPERFECTA WITH BLUE SCLERAE; Osteogenesis imperfecta type 1; Lobstein disease; Classic Non-deforming Osteogenesis Imperfecta with Blue Sclerae. Identifiers: Orphanet 216796, Orphanet 666, MedGen C0023931, MONDO:0008146, OMIM 166200. Disease mechanism: loss of function.

Submission:

Labcorp Genetics (formerly Invitae), Labcorp
Classification: Pathogenic for Osteogenesis imperfecta type I. Last evaluated: 2025-08-17. Review status: criteria provided, single submitter. Criteria: Invitae Variant Classification Sherloc (09022015). Collection method: clinical testing. Allele origin: germline.
Comment: This sequence change affects a donor splice site in intron 31 of the COL1A1 gene. It is expected to disrupt RNA splicing. Variants that disrupt the donor or acceptor splice site typically lead to a loss of protein function (PMID: 16199547), and loss-of-function variants in COL1A1 are known to be pathogenic (PMID: 7942841, 9295084, 9443882). This variant is not present in population databases (gnomAD no frequency). Disruption of this splice site has been observed in individuals with osteogenesis imperfecta (PMID: 25963598; internal data). ClinVar contains an entry for this variant (Variation ID: 660009). Algorithms developed to predict the effect of sequence changes on RNA splicing suggest that this variant may disrupt the consensus splice site. For these reasons, this variant has been classified as Pathogenic.

Literature cited by the submitters: PubMed 16199547; PubMed 7942841; PubMed 9295084; PubMed 9443882; PubMed 25963598.

NM_000088.4(COL1A1):c.2127+1G>A

Gene: COL1A1 (collagen type I alpha 1 chain; minus strand). Cytogenetic location: 17q21.33.
Variant type: single nucleotide variant.
Coding change: c.2127+1G>A on transcript NM_000088.4 (MANE Select); the canonical splice donor site of the intron after coding-DNA position 2127, G replaced by A.
Molecular consequence: splice donor variant.
Genome position (GRCh38, 1-based): chr17:50,191,787, C>T on the plus strand (G>A on the coding strand, the complement: COL1A1 is on the minus strand). VCF-style: chr17-50191787-C-T. GRCh37 (hg19) VCF-style: chr17-48269148-C-T.
Identifiers: ClinVar variation 660009 (VCV000660009.9), dbSNP rs1181095991, ClinGen allele CA400211546.
Genomic context (GRCh38, chr17:50,191,787, plus strand): 5'-CAGGAGGGGTGAGACCTGGTCCCTGGGCCACTTGCCAGAGCCCCTTCCACGCTGCCCTCA[C>T]CTTAGCACCATCGTTGCCGGGAGCACCGTTGGCCCCTCGGGGACCAGCAGGACCAGGGGG-3'